The following is an entry in ClinVar:

NM_003321.5(TUFM):c.470A>G (p.Asn157Ser)

Gene: TUFM (Tu translation elongation factor, mitochondrial; minus strand). Cytogenetic location: 16p11.2.
Variant type: single nucleotide variant.
Coding change: c.470A>G on transcript NM_003321.5 (MANE Select); coding-DNA position 470, A replaced by G.
Protein change: p.Asn157Ser; replaces asparagine 157 with serine.
Molecular consequence: missense variant.
Genome position (GRCh38, 1-based): chr16:28,845,000, T>C on the plus strand (A>G on the coding strand, the complement: TUFM is on the minus strand). VCF-style: chr16-28845000-T-C. GRCh37 (hg19) VCF-style: chr16-28856321-T-C.
Other names: c.470A>G, p.Asn157Ser (NM_001365360.2); short protein forms N157S.
Identifiers: ClinVar variation 886835 (VCV000886835.9), dbSNP rs201756974, ClinGen allele CA7985629.

ClinVar aggregate classification (germline): Uncertain significance. Review status: criteria provided, multiple submitters, no conflicts (2 of 4 stars). 3 submissions from 3 submitters: Uncertain significance (3). Last evaluated 2024-11-04.

Conditions:
Combined oxidative phosphorylation defect type 4. Identifiers: Orphanet 254925, MedGen C1857682, MONDO:0012534, OMIM 610678.

Allele frequency attached by ClinVar (database versions not stated): ExAC 0.00003; gnomAD 0.00006 and 0.00007; ESP Exome Variant Server 0.00008; gnomAD exomes 0.00008 and 0.00030; TOPMed 0.00010.
gnomAD v4.1: 440 of 1,614,020 alleles (0.027%); highest among the groups gnomAD compares: Non-Finnish European, 0.036%; 2 homozygotes.

Submissions (3):

Labcorp Genetics (formerly Invitae), Labcorp
Classification: Uncertain significance. Last evaluated: 2024-11-04. Review status: criteria provided, single submitter. Criteria: Invitae Variant Classification Sherloc (09022015). Collection method: clinical testing. Allele origin: germline.
Comment: This sequence change replaces asparagine, which is neutral and polar, with serine, which is neutral and polar, at codon 157 of the TUFM protein (p.Asn157Ser). This variant is present in population databases (rs201756974, gnomAD 0.02%). This variant has not been reported in the literature in individuals affected with TUFM-related conditions. ClinVar contains an entry for this variant (Variation ID: 886835). Invitae Evidence Modeling of protein sequence and biophysical properties (such as structural, functional, and spatial information, amino acid conservation, physicochemical variation, residue mobility, and thermodynamic stability) indicates that this missense variant is not expected to disrupt TUFM protein function with a negative predictive value of 80%. In summary, the available evidence is currently insufficient to determine the role of this variant in disease. Therefore, it has been classified as a Variant of Uncertain Significance.

Illumina Laboratory Services, Illumina
Classification: Uncertain significance for Combined oxidative phosphorylation defect type 4. Last evaluated: 2018-01-13. Review status: criteria provided, single submitter. Criteria: ICSL Variant Classification Criteria 13 December 2019. Collection method: clinical testing. Allele origin: germline.

Breakthrough Genomics
Classification: Uncertain significance. Review status: criteria provided, single submitter. Criteria: ACMG Guidelines, 2015. Collection method: not provided. Allele origin: germline. Inheritance: Autosomal recessive inheritance. Affected: yes.